The following is an entry in ClinVar:

ClinVar aggregate classification (germline): Uncertain significance (1 of 4 stars; one submission).

Conditions:
Primary ciliary dyskinesia 14. Also called: CILIARY DYSKINESIA, PRIMARY, 14, WITH OR WITHOUT SITUS INVERSUS. Identifiers: Orphanet 244, MedGen C3151136, MONDO:0013434, OMIM 613807.

Allele frequency attached by ClinVar (database versions not stated): gnomAD 0.00001; gnomAD exomes 0.00002; ExAC 0.00003; 1000 Genomes Project 30x 0.00016; 1000 Genomes Project 0.00020.
gnomAD v4.1: 12 of 1,610,260 alleles (0.00075%); highest among the groups gnomAD compares: South Asian, 0.012%; no homozygotes.

Submission:

Baylor Genetics
Classification: Uncertain significance for Primary ciliary dyskinesia 14. Last evaluated: 2018-08-17. Review status: criteria provided, single submitter. Criteria: ACMG Guidelines, 2015. Collection method: clinical testing. Allele origin: unknown. Affected: yes.
Comment: This variant was determined to be of uncertain significance according to ACMG Guidelines, 2015 [PMID:25741868].

NM_181426.2(CCDC39):c.899A>G (p.His300Arg)

Gene: CCDC39 (coiled-coil domain 39 molecular ruler complex subunit; minus strand). Cytogenetic location: 3q26.33.
Variant type: single nucleotide variant.
Coding change: c.899A>G on transcript NM_181426.2 (MANE Select); coding-DNA position 899, A replaced by G.
Protein change: p.His300Arg; replaces histidine 300 with arginine.
Molecular consequence: missense variant.
Genome position (GRCh38, 1-based): chr3:180,654,793, T>C on the plus strand (A>G on the coding strand, the complement: CCDC39 is on the minus strand). VCF-style: chr3-180654793-T-C. GRCh37 (hg19) VCF-style: chr3-180372581-T-C.
Other names: short protein forms H300R.
Identifiers: ClinVar variation 1033233 (VCV001033233.1), dbSNP rs554681004, ClinGen allele CA2716060.